The following is an entry in ClinVar:

NM_001363.5(DKC1):c.851G>A (p.Arg284Gln)

Gene: DKC1 (dyskerin pseudouridine synthase 1; plus strand). Cytogenetic location: Xq28.
Variant type: single nucleotide variant.
Coding change: c.851G>A on transcript NM_001363.5 (MANE Select); coding-DNA position 851, G replaced by A.
Protein change: p.Arg284Gln; replaces arginine 284 with glutamine.
Molecular consequence: missense variant. On other transcripts: non-coding transcript variant (3).
Genome position (GRCh38, 1-based): chrX:154,769,246, G>A. VCF-style: chrX-154769246-G-A. GRCh37 (hg19) VCF-style: chrX-153997521-G-A.
Other names: p.Arg284Gln; c.851G>A, p.Arg284Gln (NM_001142463.3, NM_001288747.2); short protein forms R284Q.
Identifiers: ClinVar variation 1695918 (VCV001695918.1), dbSNP rs200438009, ClinGen allele CA10567112.

ClinVar aggregate classification (germline): Likely risk allele (0 of 4 stars; one submission).

Conditions:
Pulmonary fibrosis. Identifiers: MedGen C0034069, MONDO:0002771, HP:0002206.

Allele frequency attached by ClinVar (database versions not stated): gnomAD exomes below 0.00001; ExAC 0.00001; gnomAD 0.00001; 1000 Genomes Project 30x 0.00021; 1000 Genomes Project 0.00026.
gnomAD v4.1: 3 of 1,209,432 alleles (0.00025%); highest among the groups gnomAD compares: African/African-American, 0.0018%; no homozygotes.

Submission:

Garcia Pulmonary Genetics Research Laboratory, Columbia University Irving Medical Center
Classification: Likely risk allele for Pulmonary fibrosis. Last evaluated: 2022-06-09. Review status: no assertion criteria provided. Collection method: research. Allele origin: germline. Affected: yes.
Comment: Leukocyte telomere length (by qPCR) less than 10th percentile age-adjusted